The following is an entry in ClinVar:

NM_000321.3(RB1):c.25A>G (p.Thr9Ala)

Gene: RB1 (RB transcriptional corepressor 1; plus strand). Cytogenetic location: 13q14.2.
Variant type: single nucleotide variant.
Coding change: c.25A>G on transcript NM_000321.3 (MANE Select); coding-DNA position 25, A replaced by G.
Protein change: p.Thr9Ala; replaces threonine 9 with alanine.
Molecular consequence: missense variant.
Genome position (GRCh38, 1-based): chr13:48,303,937, A>G. VCF-style: chr13-48303937-A-G. GRCh37 (hg19) VCF-style: chr13-48878073-A-G.
Other names: c.25A>G, p.Thr9Ala (NM_001407165.1, NM_001407166.1, NM_001407167.1); short protein forms T9A.
Identifiers: ClinVar variation 3661182 (VCV003661182.2).

ClinVar aggregate classification (germline): Uncertain significance (1 of 4 stars; one submission).

Conditions:
Retinoblastoma (RB1). Also called: RETINOBLASTOMA, SOMATIC. Identifiers: Orphanet 790, MedGen C0035335, MeSH D012175, MONDO:0008380, OMIM 180200, HP:0009919. Disease mechanism: loss of function. Inheritance: Both sporadic and heritable forms are tested..

Submission:

Labcorp Genetics (formerly Invitae), Labcorp
Classification: Uncertain significance for Retinoblastoma. Last evaluated: 2024-08-01. Review status: criteria provided, single submitter. Criteria: Invitae Variant Classification Sherloc (09022015). Collection method: clinical testing. Allele origin: germline.
Comment: This sequence change replaces threonine, which is neutral and polar, with alanine, which is neutral and non-polar, at codon 9 of the RB1 protein (p.Thr9Ala). This variant is not present in population databases (gnomAD no frequency). This variant has not been reported in the literature in individuals affected with RB1-related conditions. An algorithm developed to predict the effect of missense changes on protein structure and function outputs the following: PolyPhen-2: "Not Available". The alanine amino acid residue is found in multiple mammalian species, which suggests that this missense change does not adversely affect protein function. In summary, the available evidence is currently insufficient to determine the role of this variant in disease. Therefore, it has been classified as a Variant of Uncertain Significance.